The following is an entry in ClinVar:

NM_001012759.3(CTU2):c.898del (p.Asp300fs)

Gene: CTU2 (cytosolic thiouridylase subunit 2; plus strand). Cytogenetic location: 16q24.3.
Variant type: Deletion.
Coding change: c.898del on transcript NM_001012759.3 (MANE Select); coding-DNA position 898, one base deleted (G; older notation c.898delG).
Protein change: p.Asp300fs; shifts the reading frame from aspartic acid 300.
Molecular consequence: frameshift variant.
Genome position (GRCh38, 1-based): chr16:88,713,671, G deleted; the last of 4 consecutive G bases (chr16:88,713,668-88,713,671); deleting any one gives the same sequence. VCF-style (leftmost placement, unchanged base first): chr16-88713667-CG-C. GRCh37 (hg19) VCF-style: chr16-88780075-CG-C.
Other names: c.898del, p.Asp300fs (NM_001012762.3); c.1111del, p.Asp371fs (NM_001318507.2); c.637del, p.Asp213fs (NM_001318513.2); short protein forms D213fs, D300fs, D371fs.
Identifiers: ClinVar variation 3357526 (VCV003357526.1).

ClinVar aggregate classification (germline): Likely pathogenic (0 of 4 stars; one submission).

Conditions:
CTU2-related disorder. Also called: CTU2-related condition.

Submission:

PreventionGenetics, part of Exact Sciences
Classification: Likely pathogenic for CTU2-related condition. Last evaluated: 2024-07-30. Review status: no assertion criteria provided. Collection method: clinical testing. Allele origin: germline.
Comment: The CTU2 c.898delG variant is predicted to result in a frameshift and premature protein termination (p.Asp300Thrfs*13). To our knowledge, this variant has not been reported in the literature or in a large population database, indicating this variant is rare. Frameshift variants in CTU2 are expected to be pathogenic. This variant is interpreted as likely pathogenic.